The following is an entry in ClinVar:

NM_001330360.2(POLA1):c.1603A>G (p.Ile535Val)

Gene: POLA1 (DNA polymerase alpha 1, catalytic subunit; plus strand). Cytogenetic location: Xp22.11.
Variant type: single nucleotide variant.
Coding change: c.1603A>G on transcript NM_001330360.2 (MANE Select); coding-DNA position 1603, A replaced by G.
Protein change: p.Ile535Val; replaces isoleucine 535 with valine.
Molecular consequence: missense variant. On other transcripts: non-coding transcript variant (2).
Genome position (GRCh38, 1-based): chrX:24,727,853, A>G. VCF-style: chrX-24727853-A-G. GRCh37 (hg19) VCF-style: chrX-24745970-A-G.
Other names: c.1585A>G (NM_016937.3); c.1528A>G, p.Ile510Val (NM_001378303.1); c.1585A>G, p.Ile529Val (NM_016937.4); short protein forms I535V, I529V, I510V.
Identifiers: ClinVar variation 1398595 (VCV001398595.7), dbSNP rs778407882, ClinGen allele CA10372998.
Genomic context (GRCh38, chrX:24,727,853, plus strand): 5'-CAGCCAGTCAGTTGGTGTAAAGTTGAGGCAATGGCTTTGAAACCAGACCTGGTGAATGTA[A>G]TTAAGGATGTCAGTCCACCACCGCTTGTCGTGATGGCTTTCAGCATGAAGACAATGCAGA-3'
Protein context (NP_001317289.1, residues 525-545): MALKPDLVNV[Ile535Val]KDVSPPPLVV

ClinVar aggregate classification (germline): Conflicting classifications of pathogenicity. Review status: criteria provided, conflicting classifications (1 of 4 stars). 2 submissions from 2 submitters: Uncertain significance (1); Likely benign (1). Last evaluated 2025-05-16.

Conditions:
Inborn genetic diseases. Identifiers: MedGen C0950123, MeSH D030342.

Allele frequency attached by ClinVar (database versions not stated): gnomAD exomes below 0.00001 and 0.00002; TOPMed below 0.00001; ExAC 0.00002.
gnomAD v4.1: 3 of 1,207,209 alleles (0.00025%); highest among the groups gnomAD compares: Admixed American, 0.0065%; no homozygotes.

Submissions (2):

Ambry Genetics
Classification: Likely benign for Inborn genetic diseases. Last evaluated: 2025-05-16. Review status: criteria provided, single submitter. Criteria: Ambry Variant Classification Scheme 2023. Collection method: clinical testing. Allele origin: germline.

Labcorp Genetics (formerly Invitae), Labcorp
Classification: Uncertain significance. Last evaluated: 2021-11-02. Review status: criteria provided, single submitter. Criteria: Invitae Variant Classification Sherloc (09022015). Collection method: clinical testing. Allele origin: germline.
Comment: This sequence change replaces isoleucine, which is neutral and non-polar, with valine, which is neutral and non-polar, at codon 529 of the POLA1 protein (p.Ile529Val). This variant is present in population databases (rs778407882, gnomAD 0.01%). This variant has not been reported in the literature in individuals affected with POLA1-related conditions. Algorithms developed to predict the effect of missense changes on protein structure and function output the following: SIFT: "Tolerated"; PolyPhen-2: "Benign"; Align-GVGD: "Class C0". The valine amino acid residue is found in multiple mammalian species, which suggests that this missense change does not adversely affect protein function. In summary, the available evidence is currently insufficient to determine the role of this variant in disease. Therefore, it has been classified as a Variant of Uncertain Significance.